The following is an entry in ClinVar:

NM_001366145.2(TRPM3):c.2570A>T (p.Asp857Val)

Gene: TRPM3 (transient receptor potential cation channel subfamily M member 3; minus strand). Cytogenetic location: 9q21.12.
Variant type: single nucleotide variant.
Coding change: c.2570A>T on transcript NM_001366145.2 (MANE Select); coding-DNA position 2570, A replaced by T.
Protein change: p.Asp857Val; replaces aspartic acid 857 with valine.
Molecular consequence: missense variant.
Genome position (GRCh38, 1-based): chr9:70,610,706, T>A on the plus strand (A>T on the coding strand, the complement: TRPM3 is on the minus strand). VCF-style: chr9-70610706-T-A. GRCh37 (hg19) VCF-style: chr9-73225622-T-A.
Other names: c.2534A>T, p.Asp845Val (NM_001007471.4, NM_001366151.2); c.2540A>T, p.Asp847Val (NM_001366141.2, NM_001366143.2, NM_001366149.2); c.2576A>T, p.Asp859Val (NM_001366142.2); c.2570A>T, p.Asp857Val (NM_001366146.2); c.2645A>T, p.Asp882Val (NM_001366147.2, NM_001366152.2); c.2615A>T, p.Asp872Val (NM_001366148.2); c.2504A>T, p.Asp835Val (NM_001366150.2); c.2111A>T, p.Asp704Val (NM_001366154.2, NM_024971.7); and 5 more; short protein forms D682V, D692V, D694V, D704V, D707V, D717V, D835V, D845V.
Identifiers: ClinVar variation 2574846 (VCV002574846.1), dbSNP rs2539241861, ClinGen allele CA373556086.
Genomic context (GRCh38, chr9:70,610,706, plus strand): 5'-AATTCATAGATTTTTCTGCCGAGGGGGATTAACCGGTGCTTGCTCTGAACTTCCTCTTCA[T>A]CCTTCTTCCTGGAGGACTCCCCGTTGTTTCGTCCCAACATTGCCTATGTTGGAAGAGAAT-3'
Protein context (NP_001353074.1, residues 847-867): RNNGESSRKK[Asp857Val]EEEVQSKHRL

ClinVar aggregate classification (germline): Uncertain significance (1 of 4 stars; one submission).

Allele frequency attached by ClinVar (database versions not stated): gnomAD exomes below 0.00001.
gnomAD v4.1: 1 of 1,614,198 alleles (0.000062%); highest among the groups gnomAD compares: South Asian, 0.0011%; no homozygotes.

Submission:

GeneDx
Classification: Uncertain significance. Last evaluated: 2023-02-02. Review status: criteria provided, single submitter. Criteria: GeneDx Variant Classification Process June 2021. Collection method: clinical testing. Allele origin: germline. Affected: yes.
Comment: Not observed at significant frequency in large population cohorts (gnomAD); In silico analysis supports that this missense variant has a deleterious effect on protein structure/function; Has not been previously published as pathogenic or benign to our knowledge